The following is an entry in ClinVar:

ClinVar aggregate classification (germline): Pathogenic (1 of 4 stars; one submission).

Submission:

Labcorp Genetics (formerly Invitae), Labcorp
Classification: Pathogenic. Last evaluated: 2024-09-19. Review status: criteria provided, single submitter. Criteria: Invitae Variant Classification Sherloc (09022015). Collection method: clinical testing. Allele origin: germline.
Comment: This sequence change creates a premature translational stop signal (p.Ser3753Cysfs*3) in the FAT1 gene. It is expected to result in an absent or disrupted protein product. Loss-of-function variants in FAT1 are known to be pathogenic (PMID: 30862798). This variant is not present in population databases (gnomAD no frequency). This variant has not been reported in the literature in individuals affected with FAT1-related conditions. Algorithms developed to predict the effect of sequence changes on RNA splicing suggest that this variant may disrupt the consensus splice site. For these reasons, this variant has been classified as Pathogenic.

Literature cited by the submitters: PubMed 30862798.

NM_005245.4(FAT1):c.11256_11257del (p.Ser3753fs)

Genes: FAT1 (FAT atypical cadherin 1; minus strand), LOC126807254 (BRD4-independent group 4 enhancer GRCh37_chr4:187524269-187525468; plus strand). Cytogenetic location: 4q35.2.
Variant type: Microsatellite.
Coding change: c.11256_11257del on transcript NM_005245.4 (MANE Select); coding-DNA positions 11256 to 11257, 2 bases deleted (GT; older notation c.11256_11257delGT).
Protein change: p.Ser3753fs; shifts the reading frame from serine 3753.
Molecular consequence: frameshift variant.
Genome position (GRCh38, 1-based): chr4:186,603,269-186,603,270, AC deleted on the plus strand (GT on the coding strand, the reverse complement: FAT1 is on the minus strand); deleting any 2 consecutive bases within chr4:186,603,269-186,603,272 gives the same sequence; the c. name uses the placement nearest the transcript's 3' end. VCF-style (leftmost placement, unchanged base first): chr4-186603268-GAC-G. GRCh37 (hg19) VCF-style: chr4-187524422-GAC-G.
Other names: short protein forms S3753fs.
Identifiers: ClinVar variation 3720075 (VCV003720075.2).